The following is an entry in ClinVar:

ClinVar aggregate classification (germline): Uncertain significance (1 of 4 stars; one submission).

Conditions:
DICER1-related tumor predisposition. Also called: DICER1 syndrome; DICER1-related pleuropulmonary blastoma cancer predisposition syndrome. Identifiers: Orphanet 284343, MedGen C3839822, MONDO:0100216.

gnomAD v4.1: 1 of 1,613,136 alleles (0.000062%); no homozygotes.

Submission:

Labcorp Genetics (formerly Invitae), Labcorp
Classification: Uncertain significance for DICER1-related tumor predisposition. Last evaluated: 2024-03-15. Review status: criteria provided, single submitter. Criteria: Invitae Variant Classification Sherloc (09022015). Collection method: clinical testing. Allele origin: germline.
Comment: This sequence change replaces proline, which is neutral and non-polar, with alanine, which is neutral and non-polar, at codon 1035 of the DICER1 protein (p.Pro1035Ala). This variant is not present in population databases (gnomAD no frequency). This variant has not been reported in the literature in individuals affected with DICER1-related conditions. Advanced modeling of protein sequence and biophysical properties (such as structural, functional, and spatial information, amino acid conservation, physicochemical variation, residue mobility, and thermodynamic stability) performed at Invitae indicates that this missense variant is not expected to disrupt DICER1 protein function with a negative predictive value of 80%. In summary, the available evidence is currently insufficient to determine the role of this variant in disease. Therefore, it has been classified as a Variant of Uncertain Significance.

NM_177438.3(DICER1):c.3103C>G (p.Pro1035Ala)

Gene: DICER1 (dicer 1, ribonuclease III; minus strand). Cytogenetic location: 14q32.13.
Variant type: single nucleotide variant.
Coding change: c.3103C>G on transcript NM_177438.3 (MANE Select); coding-DNA position 3103, C replaced by G.
Protein change: p.Pro1035Ala; replaces proline 1035 with alanine.
Molecular consequence: missense variant. On other transcripts: non-coding transcript variant (6).
Genome position (GRCh38, 1-based): chr14:95,105,237, G>C on the plus strand (C>G on the coding strand, the complement: DICER1 is on the minus strand). VCF-style: chr14-95105237-G-C. GRCh37 (hg19) VCF-style: chr14-95571574-G-C.
Other names: c.3103C>G, p.Pro1035Ala (NM_001195573.1, NM_001271282.3, NM_001291628.2 and 12 more transcripts); c.2821C>G, p.Pro941Ala (NM_001395686.1); c.2698C>G, p.Pro900Ala (NM_001395687.1, NM_001395688.1, NM_001395689.1 and 2 more transcripts); c.2536C>G, p.Pro846Ala (NM_001395691.1); c.1420C>G, p.Pro474Ala (NM_001395697.1); short protein forms P941A, P1035A, P474A, P846A, P900A.
Identifiers: ClinVar variation 3646088 (VCV003646088.2).